The following is an entry in ClinVar:

ClinVar aggregate classification (germline): Likely pathogenic (1 of 4 stars; one submission).

Conditions:
TCF12-related craniosynostosis. Also called: Craniosynostosis 3. Identifiers: Orphanet 35098, Orphanet 35099, Orphanet 672979, MedGen C3715051, MONDO:0014128, OMIM 615314.

Submission:

Department of Human Genetics, Hannover Medical School
Classification: Likely pathogenic for TCF12-related craniosynostosis. Last evaluated: 2025-04-07. Review status: criteria provided, single submitter. Criteria: ACMG Guidelines, 2015. Collection method: clinical testing. Allele origin: germline. Affected: yes.
Comment: PVS1, PM2_Supporting

NM_207037.2(TCF12):c.780_781del (p.Met260fs)

Gene: TCF12 (transcription factor 12; plus strand). Cytogenetic location: 15q21.3.
Variant type: Deletion.
Coding change: c.780_781del on transcript NM_207037.2 (MANE Select); coding-DNA positions 780 to 781, 2 bases deleted (GT; older notation c.780_781delGT).
Protein change: p.Met260fs; shifts the reading frame from methionine 260.
Molecular consequence: frameshift variant. On other transcripts: intron variant (1).
Genome position (GRCh38, 1-based): chr15:57,232,385-57,232,386, GT deleted; deleting any 2 consecutive bases within chr15:57,232,384-57,232,386 gives the same sequence; the c. name uses the placement nearest the transcript's 3' end. VCF-style (leftmost placement, unchanged base first): chr15-57232383-ATG-A. GRCh37 (hg19) VCF-style: chr15-57524581-ATG-A.
Other names: c.270_271del, p.Met90fs (NM_001306219.3, NM_207040.2); c.780_781del, p.Met260fs (NM_001322151.2, NM_001322152.2, NM_001322157.3 and 7 more transcripts); c.123_124del, p.Met41fs (NM_001322154.2); c.606_607del, p.Met202fs (NM_001322156.2, NM_001322158.2); c.816_817del, p.Met272fs (NM_001322164.2); c.118-327_118-326del (NM_001306220.3); short protein forms M202fs, M260fs, M272fs, M41fs, M90fs.
Identifiers: ClinVar variation 3775090 (VCV003775090.1).
Genomic context (GRCh38, chr15:57,232,383, plus strand): 5'-TCATCAAATGGGATGAGCCAGCCTGGTTTTGGTGGAATTCTGGGGACCTCCACTTCCCAC[ATG>A]TCTCAATCCAGTAGTTATGGCAACCTTCATTCACATGACCGCTTGGTAGGCTATAACACG-3'